The following is an entry in ClinVar:

NM_000052.7(ATP7A):c.2332A>G (p.Ile778Val)

Gene: ATP7A (ATPase copper transporting alpha; plus strand). Cytogenetic location: Xq21.1.
Variant type: single nucleotide variant.
Coding change: c.2332A>G on transcript NM_000052.7 (MANE Select); coding-DNA position 2332, A replaced by G.
Protein change: p.Ile778Val; replaces isoleucine 778 with valine.
Molecular consequence: missense variant. On other transcripts: intron variant (1).
Genome position (GRCh38, 1-based): chrX:78,013,038, A>G. VCF-style: chrX-78013038-A-G. GRCh37 (hg19) VCF-style: chrX-77268535-A-G.
Other names: c.2172+1364A>G (NM_001282224.2); short protein forms I778V.
Identifiers: ClinVar variation 4794701 (VCV004794701.1).

ClinVar aggregate classification (germline): Uncertain significance (1 of 4 stars; one submission).

Conditions:
Menkes kinky-hair syndrome (MNK). Also called: Classic Menkes Disease; Copper transport disease; Menkes Disease. Identifiers: Orphanet 565, MedGen C0022716, MONDO:0010651, OMIM 309400.
Cutis laxa, X-linked (OHS). Also called: EDS IX; Occipital horn syndrome. Identifiers: Orphanet 198, MedGen C0268353, MONDO:0010572, OMIM 304150.
X-linked distal spinal muscular atrophy type 3. Also called: ATP7A-Related Distal Motor Neuropathy; SPINAL MUSCULAR ATROPHY, DISTAL, X-LINKED RECESSIVE; NEURONOPATHY, DISTAL HEREDITARY MOTOR, X-LINKED; NEUROPATHY, DISTAL HEREDITARY MOTOR, X-LINKED. Identifiers: Orphanet 139557, MedGen C1845359, MONDO:0010338, OMIM 300489.

Submission:

Labcorp Genetics (formerly Invitae), Labcorp
Classification: Uncertain significance for X-linked distal spinal muscular atrophy type 3; Cutis laxa, X-linked; Menkes kinky-hair syndrome. Last evaluated: 2025-02-26. Review status: criteria provided, single submitter. Criteria: Invitae Variant Classification Sherloc (09022015). Collection method: clinical testing. Allele origin: germline.
Comment: This sequence change replaces isoleucine, which is neutral and non-polar, with valine, which is neutral and non-polar, at codon 778 of the ATP7A protein (p.Ile778Val). This variant is not present in population databases (gnomAD no frequency). This variant has not been reported in the literature in individuals affected with ATP7A-related conditions. Invitae Evidence Modeling of protein sequence and biophysical properties (such as structural, functional, and spatial information, amino acid conservation, physicochemical variation, residue mobility, and thermodynamic stability) indicates that this missense variant is not expected to disrupt ATP7A protein function with a negative predictive value of 95%. In summary, the available evidence is currently insufficient to determine the role of this variant in disease. Therefore, it has been classified as a Variant of Uncertain Significance.